The following is an entry in ClinVar:

ClinVar aggregate classification (germline): Benign. Review status: criteria provided, multiple submitters, no conflicts (2 of 4 stars). 2 submissions from 2 submitters: Benign (2). Last evaluated 2024-06-03.

Conditions:
Familial cancer of breast. Also called: BREAST CANCER, FAMILIAL; Hereditary breast cancer; hereditary breast carcinoma. Identifiers: Orphanet 227535, MedGen C0346153, MONDO:0016419, OMIM 114480. Disease mechanism: loss of function.

Submissions (2):

Myriad Genetics, Inc.
Classification: Benign for Familial cancer of breast. Last evaluated: 2024-06-03. Review status: criteria provided, single submitter. Criteria: Myriad Autosomal Dominant, Autosomal Recessive and X-Linked Classification Criteria (2023). Collection method: clinical testing. Allele origin: unknown.
Comment: This variant is considered benign. This variant is intronic and is not expected to impact mRNA splicing.

GeneDx
Classification: Benign. Last evaluated: 2015-03-03. Review status: criteria provided, single submitter. Criteria: GeneDx Variant Classification Process June 2021. Collection method: clinical testing. Allele origin: germline. Affected: yes.

NM_000051.4(ATM):c.6199-20dup

Genes: ATM (ATM serine/threonine kinase; plus strand), C11orf65 (chromosome 11 open reading frame 65; minus strand). Cytogenetic location: 11q22.3.
Variant type: Duplication.
Coding change: c.6199-20dup on transcript NM_000051.4 (MANE Select); 20 bases into the intron before coding-DNA position 6199, one base duplicated (A; older notation c.6199-20dupA).
Molecular consequence: intron variant.
Genome position (GRCh38, 1-based): chr11:108,317,353, A duplicated; the last of 5 consecutive A bases (chr11:108,317,349-108,317,353); duplicating any one gives the same sequence. VCF-style (leftmost placement, unchanged base first): chr11-108317348-T-TA. GRCh37 (hg19) VCF-style: chr11-108188075-T-TA.
Other names: c.6199-20dup (NM_001351834.2); c.641-8278dup (NM_001330368.2); c.*39-8278dup (NM_001351110.2).
Identifiers: ClinVar variation 1292587 (VCV001292587.5), dbSNP rs2084768549, ClinGen allele CA942022137.